The following is an entry in ClinVar:

ClinVar aggregate classification (germline): Uncertain significance. Review status: criteria provided, multiple submitters, no conflicts (2 of 4 stars). 2 submissions from 2 submitters: Uncertain significance (2). Last evaluated 2025-01-15.

Conditions:
Inborn genetic diseases. Identifiers: MedGen C0950123, MeSH D030342.

Allele frequency attached by ClinVar (database versions not stated): gnomAD exomes 0.00001; ExAC 0.00004; gnomAD 0.00009; TOPMed 0.00013; ESP Exome Variant Server 0.00023; 1000 Genomes Project 30x 0.00031; 1000 Genomes Project 0.00040.
gnomAD v4.1: 29 of 1,614,214 alleles (0.0018%); highest among the groups gnomAD compares: African/African-American, 0.036%; no homozygotes.

Submissions (2):

Labcorp Genetics (formerly Invitae), Labcorp
Classification: Uncertain significance. Last evaluated: 2025-01-15. Review status: criteria provided, single submitter. Criteria: Invitae Variant Classification Sherloc (09022015). Collection method: clinical testing. Allele origin: germline.
Comment: This sequence change replaces tyrosine, which is neutral and polar, with cysteine, which is neutral and slightly polar, at codon 1001 of the LIFR protein (p.Tyr1001Cys). This variant is present in population databases (rs377456493, gnomAD 0.05%). This variant has not been reported in the literature in individuals affected with LIFR-related conditions. ClinVar contains an entry for this variant (Variation ID: 2164181). An algorithm developed to predict the effect of missense changes on protein structure and function (PolyPhen-2) suggests that this variant is likely to be disruptive. In summary, the available evidence is currently insufficient to determine the role of this variant in disease. Therefore, it has been classified as a Variant of Uncertain Significance.

Ambry Genetics
Classification: Uncertain significance for Inborn genetic diseases. Last evaluated: 2024-03-08. Review status: criteria provided, single submitter. Criteria: Ambry Variant Classification Scheme 2023. Collection method: clinical testing. Allele origin: germline.

NM_001127671.2(LIFR):c.3002A>G (p.Tyr1001Cys)

Gene: LIFR (LIF receptor subunit alpha; minus strand). Cytogenetic location: 5p13.1.
Variant type: single nucleotide variant.
Coding change: c.3002A>G on transcript NM_001127671.2 (MANE Select); coding-DNA position 3002, A replaced by G.
Protein change: p.Tyr1001Cys; replaces tyrosine 1001 with cysteine.
Molecular consequence: missense variant.
Genome position (GRCh38, 1-based): chr5:38,481,887, T>C on the plus strand (A>G on the coding strand, the complement: LIFR is on the minus strand). VCF-style: chr5-38481887-T-C. GRCh37 (hg19) VCF-style: chr5-38481989-T-C.
Other names: c.3002A>G, p.Tyr1001Cys (NM_001364297.2, NM_002310.6); c.2969A>G, p.Tyr990Cys (NM_001364298.2); c.3002A>G (NM_002310.5); short protein forms Y990C, Y1001C.
Identifiers: ClinVar variation 2164181 (VCV002164181.4), dbSNP rs377456493, ClinGen allele CA3242527.